The following is an entry in ClinVar:

NM_001370785.2(LRRC7):c.357T>C (p.Leu119=)

Gene: LRRC7 (leucine rich repeat containing 7; plus strand). Cytogenetic location: 1p31.1.
Variant type: single nucleotide variant.
Coding change: c.357T>C on transcript NM_001370785.2 (MANE Select); coding-DNA position 357, T replaced by C.
Protein change: p.Leu119=; no amino-acid change (leucine 119 retained).
Molecular consequence: synonymous variant.
Genome position (GRCh38, 1-based): chr1:69,792,096, T>C. VCF-style: chr1-69792096-T-C. GRCh37 (hg19) VCF-style: chr1-70257779-T-C.
Other names: c.258T>C, p.Leu86= (NM_001330635.3, NM_001366837.3, NM_001366839.3 and 1 more transcripts); c.360T>C, p.Leu120= (NM_001350216.3, NM_001366840.1); c.357T>C, p.Leu119= (NM_001366836.3, NM_001366838.3); c.414T>C, p.Leu138= (NM_001366842.1).
Identifiers: ClinVar variation 2638875 (VCV002638875.24), dbSNP rs34658389, ClinGen allele CA903427.
Genomic context (GRCh38, chr1:69,792,096, plus strand): 5'-ATTACAGCAATTGTTCAACTGTCAAGCTCTACGAAAACTAAGTATTCCTGATAACGACCT[T>C]TCAAATCTGCCAACCACTATTGCTAGTTTAGTTAATCTTAAAGAACTCGACATCAGTAAA-3'
Protein context (NP_001357714.1, residues 109-129): LRKLSIPDND[Leu119=]SNLPTTIASL

ClinVar aggregate classification (germline): Likely benign (1 of 4 stars; one submission).

Allele frequency attached by ClinVar (database versions not stated): 1000 Genomes Project 0.00120; 1000 Genomes Project 30x 0.00125; ExAC 0.00335; gnomAD 0.00401; TOPMed 0.00410; ESP Exome Variant Server 0.00500; gnomAD exomes 0.00661.
gnomAD v4.1: 10,184 of 1,611,132 alleles (0.63%); highest among the groups gnomAD compares: Non-Finnish European, 0.8%; 48 homozygotes.

Submission:

CeGaT Center for Human Genetics Tuebingen
Classification: Likely benign. Last evaluated: 2026-09-01. Review status: criteria provided, single submitter. Criteria: CeGaT Center For Human Genetics Tuebingen Variant Classification Criteria Version 2. Collection method: clinical testing. Allele origin: germline. Affected: yes. Observed: 13 variant alleles.
Comment: LRRC7: BP4, BP7, BS2